The following is an entry in ClinVar:

NM_002334.4(LRP4):c.1187T>A (p.Val396Glu)

Gene: LRP4 (LDL receptor related protein 4; minus strand). Cytogenetic location: 11p11.2.
Variant type: single nucleotide variant.
Coding change: c.1187T>A on transcript NM_002334.4 (MANE Select); coding-DNA position 1187, T replaced by A.
Protein change: p.Val396Glu; replaces valine 396 with glutamic acid.
Molecular consequence: missense variant.
Genome position (GRCh38, 1-based): chr11:46,895,288, A>T on the plus strand (T>A on the coding strand, the complement: LRP4 is on the minus strand). VCF-style: chr11-46895288-A-T. GRCh37 (hg19) VCF-style: chr11-46916839-A-T.
Other names: short protein forms V396E.
Identifiers: ClinVar variation 1449079 (VCV001449079.6), dbSNP rs2134851507, ClinGen allele CA380286504.

ClinVar aggregate classification (germline): Uncertain significance (1 of 4 stars; one submission).

Conditions:
Cenani-Lenz syndactyly syndrome. Also called: SYNDACTYLY, TYPE VII; CENANI SYNDACTYLISM. Identifiers: Orphanet 3258, MedGen C1859309, MONDO:0008931, OMIM 212780.
Sclerosteosis 2 (SOST2). Identifiers: Orphanet 3152, MedGen C3280402, MONDO:0013679, OMIM 614305.
Congenital myasthenic syndrome 17. Identifiers: Orphanet 590, MedGen C4225377, MONDO:0014578, OMIM 616304.

Submission:

Labcorp Genetics (formerly Invitae), Labcorp
Classification: Uncertain significance for Cenani-Lenz syndactyly syndrome; Sclerosteosis 2; Congenital myasthenic syndrome 17. Last evaluated: 2024-10-18. Review status: criteria provided, single submitter. Criteria: Invitae Variant Classification Sherloc (09022015). Collection method: clinical testing. Allele origin: germline.
Comment: This sequence change replaces valine, which is neutral and non-polar, with glutamic acid, which is acidic and polar, at codon 396 of the LRP4 protein (p.Val396Glu). This variant is not present in population databases (gnomAD no frequency). This variant has not been reported in the literature in individuals affected with LRP4-related conditions. ClinVar contains an entry for this variant (Variation ID: 1449079). An algorithm developed to predict the effect of missense changes on protein structure and function (PolyPhen-2) suggests that this variant is likely to be disruptive. In summary, the available evidence is currently insufficient to determine the role of this variant in disease. Therefore, it has been classified as a Variant of Uncertain Significance.